The following is an entry in ClinVar:

NM_001114753.3(ENG):c.360C>A (p.Tyr120Ter)

Gene: ENG (endoglin; minus strand). Cytogenetic location: 9q34.11.
Variant type: single nucleotide variant.
Coding change: c.360C>A on transcript NM_001114753.3 (MANE Select); coding-DNA position 360, C replaced by A.
Protein change: p.Tyr120Ter; replaces tyrosine 120 with a stop codon.
Molecular consequence: nonsense. On other transcripts: 5 prime UTR variant (1).
Genome position (GRCh38, 1-based): chr9:127,829,687, G>T on the plus strand (C>A on the coding strand, the complement: ENG is on the minus strand). VCF-style: chr9-127829687-G-T. GRCh37 (hg19) VCF-style: chr9-130591966-G-T.
Other names: c.360C>A (NM_001114753.1); c.360C>A, p.Tyr120Ter (NM_000118.4, NM_001406715.1); c.-187C>A (NM_001278138.2); short protein forms Y120*.
Identifiers: ClinVar variation 16676 (VCV000016676.20), dbSNP rs121918402, ClinGen allele CA257574.

ClinVar aggregate classification (germline): Pathogenic. Review status: criteria provided, multiple submitters, no conflicts (2 of 4 stars). 5 submissions from 5 submitters: Pathogenic (4). 1 of the submissions does not count toward it. Last evaluated 2026-02-05.

Conditions:
ENG-related disorder. Also called: ENG-related disorders; ENG-related condition.
Hereditary hemorrhagic telangiectasia (HHT). Also called: Osler hemorrhagic telangiectasia syndrome; ORW DISEASE; Osler Weber Rendu syndrome; OSLER-RENDU-WEBER DISEASE. Identifiers: Orphanet 774, MedGen C0039445, MONDO:0019180. Disease mechanism: loss of function.
Cardiovascular phenotype. Identifiers: MedGen CN230736.
Telangiectasia, hereditary hemorrhagic, type 1 (HHT1). Also called: Osler Weber Rendu syndrome type 1; ENG-Related Hereditary Hemorrhagic Telangiectasia. Identifiers: Orphanet 774, MedGen C4551861, MONDO:0008535, OMIM 187300. Disease mechanism: loss of function.

Submissions (5):

Ambry Genetics
Classification: Pathogenic for Cardiovascular phenotype. Last evaluated: 2026-02-05. Review status: criteria provided, single submitter. Criteria: Ambry Variant Classification Scheme 2023. Collection method: clinical testing. Allele origin: germline.
Comment: The p.Y120* pathogenic mutation (also known as c.360C>A), located in coding exon 3 of the ENG gene, results from a C to A substitution at nucleotide position 360. This changes the amino acid from a tyrosine to a stop codon within coding exon 3. This variant was reported in individual(s) with features consistent with ENG-related hereditary hemorrhagic telangiectasia (Heimdal K et al. Clin Genet, 2016 Feb;89:182-6; Brusgaard K et al. Clin Genet, 2004 Dec;66:556-61). This variant is considered to be rare based on population cohorts in the Genome Aggregation Database (gnomAD). This alteration is expected to result in loss of function by premature protein truncation or nonsense-mediated mRNA decay. As such, this alteration is interpreted as a disease-causing mutation.

Labcorp Genetics (formerly Invitae), Labcorp
Classification: Pathogenic for Hereditary hemorrhagic telangiectasia. Last evaluated: 2024-04-02. Review status: criteria provided, single submitter. Criteria: Invitae Variant Classification Sherloc (09022015). Collection method: clinical testing. Allele origin: germline.
Comment: This sequence change creates a premature translational stop signal (p.Tyr120*) in the ENG gene. It is expected to result in an absent or disrupted protein product. Loss-of-function variants in ENG are known to be pathogenic (PMID: 15879500). This variant is not present in population databases (gnomAD no frequency). This premature translational stop signal has been observed in individual(s) with hereditary hemorrhagic telangiectasia (PMID: 15521985). ClinVar contains an entry for this variant (Variation ID: 16676). For these reasons, this variant has been classified as Pathogenic.

Blueprint Genetics
Classification: Pathogenic for ENG-related disorders. Last evaluated: 2021-03-09. Review status: criteria provided, single submitter. Criteria: ACMG Guidelines, 2015. Collection method: clinical testing. Allele origin: germline. Affected: yes. Observed: 2 variant alleles.

ARUP Laboratories, Molecular Genetics and Genomics, ARUP Laboratories
Classification: Pathogenic for Telangiectasia, hereditary hemorrhagic, type 1. Last evaluated: 2018-10-08. Review status: criteria provided, single submitter. Criteria: ARUP Molecular Germline Variant Investigation Process. Collection method: clinical testing. Allele origin: germline.
Comment: The ENG c.360C>A; p.Tyr120Ter variant (rs121918402), is reported in the literature in multiple individuals and families affected with hereditary hemorrhagic telangiectasia (Brusgaard 2004, Kjeldsen 2005, Torring 2014). This variant is reported in ClinVar (Variation ID: 16676), and is absent from general population databases (1000 Genomes Project, Exome Variant Server, and Genome Aggregation Database), indicating it is not a common polymorphism. This variant induces an early termination codon and is predicted to result in a truncated protein or mRNA subject to nonsense-mediated decay. Based on available information, the p.Tyr120Ter variant is considered to be pathogenic. References: Brusgaard K et al. Mutations in endoglin and in activin receptor-like kinase 1 among Danish patients with hereditary haemorrhagic telangiectasia. Clin Genet. 2004 Dec;66(6):556-61. Kjeldsen AD et al. Clinical symptoms according to genotype amongst patients with hereditary haemorrhagic telangiectasia. J Intern Med. 2005 Oct;258(4):349-55. Torring PM et al. National mutation study among Danish patients with hereditary haemorrhagic telangiectasia. Clin Genet. 2014 Aug;86(2):123-33.

OMIM
Classification: Pathogenic for HEREDITARY HEMORRHAGIC TELANGIECTASIA 1. Last evaluated: 2004-12-01. Review status: no assertion criteria provided. Collection method: literature only. Allele origin: germline. Not counted in ClinVar's aggregate classification.

Literature cited by the submitters: PubMed 15521985 (cited by 3 submitters); PubMed 25970827 (cited by Ambry Genetics); PubMed 15879500 (cited by Labcorp Genetics (formerly Invitae), Labcorp).